The following is an entry in ClinVar:

ClinVar aggregate classification (germline): Benign/Likely benign. Review status: criteria provided, multiple submitters, no conflicts (2 of 4 stars). 3 submissions from 3 submitters: Benign (1); Likely benign (1). 1 of the submissions does not count toward it. Last evaluated 2025-12-08.

Conditions:
Familial thoracic aortic aneurysm and aortic dissection (TAAD). Also called: Thoracic aortic aneurysms and dissections. Identifiers: Orphanet 91387, MedGen C4707243, MONDO:0019625.
NOTCH1-related disorder. Also called: NOTCH1-related condition; NOTCH1-related disorders.
Adams-Oliver syndrome 5 (AOS5). Identifiers: Orphanet 974, MedGen C4014970, MONDO:0014459, OMIM 616028.

Allele frequency attached by ClinVar (database versions not stated): gnomAD 0.00001; TOPMed 0.00002; ExAC 0.00003; ESP Exome Variant Server 0.00008.
gnomAD v4.1: 20 of 1,610,746 alleles (0.0012%); highest among the groups gnomAD compares: African/African-American, 0.004%; no homozygotes.

Submissions (3):

Labcorp Genetics (formerly Invitae), Labcorp
Classification: Benign for Adams-Oliver syndrome 5. Last evaluated: 2025-12-08. Review status: criteria provided, single submitter. Criteria: Invitae Variant Classification Sherloc (09022015). Collection method: clinical testing. Allele origin: germline.

Ambry Genetics
Classification: Likely benign for Familial thoracic aortic aneurysm and aortic dissection. Last evaluated: 2023-05-26. Review status: criteria provided, single submitter. Criteria: Ambry Variant Classification Scheme 2023. Collection method: clinical testing. Allele origin: germline.

PreventionGenetics, part of Exact Sciences
Classification: Likely benign for NOTCH1-related condition. Last evaluated: 2024-04-30. Review status: no assertion criteria provided. Collection method: clinical testing. Allele origin: germline. Not counted in ClinVar's aggregate classification.
Comment: This variant is classified as likely benign based on ACMG/AMP sequence variant interpretation guidelines (Richards et al. 2015 PMID: 25741868, with internal and published modifications).

NM_017617.5(NOTCH1):c.1119C>T (p.Asn373=)

Gene: NOTCH1 (notch receptor 1; minus strand). Cytogenetic location: 9q34.3.
Variant type: single nucleotide variant.
Coding change: c.1119C>T on transcript NM_017617.5 (MANE Select); coding-DNA position 1119, C replaced by T.
Protein change: p.Asn373=; no amino-acid change (asparagine 373 retained).
Molecular consequence: synonymous variant.
Genome position (GRCh38, 1-based): chr9:136,518,273, G>A on the plus strand (C>T on the coding strand, the complement: NOTCH1 is on the minus strand). VCF-style: chr9-136518273-G-A. GRCh37 (hg19) VCF-style: chr9-139412725-G-A.
Other names: c.1119C>T (NM_017617.4).
Identifiers: ClinVar variation 2566656 (VCV002566656.6), dbSNP rs368588745, ClinGen allele CA5341906.